The following is an entry in ClinVar:

ClinVar aggregate classification (germline): Uncertain significance (1 of 4 stars; one submission).

Conditions:
Adenylosuccinate lyase deficiency (ADSLD). Also called: ADSL DEFICIENCY. Identifiers: Orphanet 46, MedGen C0268126, MONDO:0007068, OMIM 103050.

Allele frequency attached by ClinVar (database versions not stated): gnomAD exomes below 0.00001.

Submission:

Labcorp Genetics (formerly Invitae), Labcorp
Classification: Uncertain significance for Adenylosuccinate lyase deficiency. Last evaluated: 2021-09-01. Review status: criteria provided, single submitter. Criteria: Invitae Variant Classification Sherloc (09022015). Collection method: clinical testing. Allele origin: germline.
Comment: This sequence change replaces serine with cysteine at codon 448 of the ADSL protein (p.Ser448Cys). The serine residue is moderately conserved and there is a moderate physicochemical difference between serine and cysteine. This variant is not present in population databases (ExAC no frequency). This variant has not been reported in the literature in individuals affected with ADSL-related conditions. Algorithms developed to predict the effect of missense changes on protein structure and function are either unavailable or do not agree on the potential impact of this missense change (SIFT: "Deleterious"; PolyPhen-2: "Probably Damaging"; Align-GVGD: "Class C15"). In summary, the available evidence is currently insufficient to determine the role of this variant in disease. Therefore, it has been classified as a Variant of Uncertain Significance.

NM_000026.4(ADSL):c.1343C>G (p.Ser448Cys)

Gene: ADSL (adenylosuccinate lyase; plus strand). Cytogenetic location: 22q13.1.
Variant type: single nucleotide variant.
Coding change: c.1343C>G on transcript NM_000026.4 (MANE Select); coding-DNA position 1343, C replaced by G.
Protein change: p.Ser448Cys; replaces serine 448 with cysteine.
Molecular consequence: missense variant. On other transcripts: non-coding transcript variant (1), intron variant (1).
Genome position (GRCh38, 1-based): chr22:40,365,031, C>G. VCF-style: chr22-40365031-C-G. GRCh37 (hg19) VCF-style: chr22-40761035-C-G.
Other names: c.1151C>G, p.Ser384Cys (NM_001317923.2); c.1343C>G, p.Ser448Cys (NM_001363840.3); c.1191+666C>G (NM_001123378.3); short protein forms S448C, S384C.
Identifiers: ClinVar variation 664313 (VCV000664313.6), dbSNP rs1265053994, ClinGen allele CA411648622.